The following is an entry in ClinVar:

NM_003073.5(SMARCB1):c.334A>G (p.Ile112Val)

Gene: SMARCB1 (SWI/SNF related BAF chromatin remodeling complex subunit B1; plus strand). Cytogenetic location: 22q11.23.
Variant type: single nucleotide variant.
Coding change: c.334A>G on transcript NM_003073.5 (MANE Select); coding-DNA position 334, A replaced by G.
Protein change: p.Ile112Val; replaces isoleucine 112 with valine.
Molecular consequence: missense variant.
Genome position (GRCh38, 1-based): chr22:23,793,660, A>G. VCF-style: chr22-23793660-A-G. GRCh37 (hg19) VCF-style: chr22-24135847-A-G.
Other names: c.307A>G, p.Ile103Val (NM_001007468.3, NM_001317946.2); c.334A>G, p.Ile112Val (NM_001362877.2); c.334A>G (NM_003073.3); short protein forms I103V, I112V.
Identifiers: ClinVar variation 872342 (VCV000872342.42), dbSNP rs1928546194, ClinGen allele CA410934001.

ClinVar aggregate classification (germline): Uncertain significance. Review status: criteria provided, multiple submitters, no conflicts (2 of 4 stars). 2 submissions from 2 submitters: Uncertain significance (2). Last evaluated 2024-03-28.

Conditions:
Hereditary cancer-predisposing syndrome. Also called: Hereditary Cancer Syndrome; Tumor predisposition; Hereditary neoplastic syndrome; Neoplastic Syndromes, Hereditary. Identifiers: Orphanet 140162, MedGen C0027672, MeSH D009386, MONDO:0015356.

Submissions (2):

Ambry Genetics
Classification: Uncertain significance for Hereditary cancer-predisposing syndrome. Last evaluated: 2024-03-28. Review status: criteria provided, single submitter. Criteria: Ambry Variant Classification Scheme 2023. Collection method: clinical testing. Allele origin: germline.
Comment: The p.I112V variant (also known as c.334A>G), located in coding exon 3 of the SMARCB1 gene, results from an A to G substitution at nucleotide position 334. The isoleucine at codon 112 is replaced by valine, an amino acid with highly similar properties. This amino acid position is highly conserved in available vertebrate species. In addition, the in silico prediction for this alteration is inconclusive. Based on the available evidence, the clinical significance of this alteration remains unclear.

CeGaT Center for Human Genetics Tuebingen
Classification: Uncertain significance. Last evaluated: 2022-10-01. Review status: criteria provided, single submitter. Criteria: CeGaT Center For Human Genetics Tuebingen Variant Classification Criteria Version 2. Collection method: clinical testing. Allele origin: germline. Affected: yes. Observed: 3 variant alleles.